The following is an entry in ClinVar:

NM_001145809.2(MYH14):c.1368C>G (p.Tyr456Ter)

Gene: MYH14 (myosin heavy chain 14; plus strand). Cytogenetic location: 19q13.33.
Variant type: single nucleotide variant.
Coding change: c.1368C>G on transcript NM_001145809.2 (MANE Select); coding-DNA position 1368, C replaced by G.
Protein change: p.Tyr456Ter; replaces tyrosine 456 with a stop codon.
Molecular consequence: nonsense.
Genome position (GRCh38, 1-based): chr19:50,249,025, C>G. VCF-style: chr19-50249025-C-G. GRCh37 (hg19) VCF-style: chr19-50752282-C-G.
Other names: c.1368C>G, p.Tyr456Ter (NM_001077186.2); c.1344C>G, p.Tyr448Ter (NM_024729.4); short protein forms Y448*, Y456*.
Identifiers: ClinVar variation 3250385 (VCV003250385.1), dbSNP rs554040475.

ClinVar aggregate classification (germline): Pathogenic (1 of 4 stars; one submission).

Conditions:
Autosomal dominant nonsyndromic hearing loss 4A. Also called: Deafness, autosomal dominant 4A. Identifiers: Orphanet 90635, MedGen C1833503, MONDO:0010915, OMIM 600652.

Allele frequency attached by ClinVar (database versions not stated): 1000 Genomes Project 30x 0.00016; 1000 Genomes Project 0.00020.
gnomAD v4.1: 1 of 1,613,628 alleles (0.000062%); highest among the groups gnomAD compares: South Asian, 0.0011%; no homozygotes.

Submission:

Laboratory of Prof. Karen Avraham, Tel Aviv University
Classification: Pathogenic for Autosomal dominant nonsyndromic hearing loss 4A. Last evaluated: 2024-05-30. Review status: criteria provided, single submitter. Criteria: ACMG Guidelines, 2015. Collection method: research. Allele origin: germline. Affected: yes. Observed: 1 variant allele.
Comment: A stop variant in a known AD gene with other known stop mutations

DFNA4A; sloping audiogram, moderate - profound HL